The following is an entry in ClinVar:

ClinVar aggregate classification (germline): Likely pathogenic (1 of 4 stars; one submission).

Conditions:
SLC27A4-related disorder. Also called: SLC27A4-related condition.

Submission:

PreventionGenetics, part of Exact Sciences
Classification: Likely pathogenic for SLC27A4-related condition. Last evaluated: 2026-02-25. Review status: criteria provided, single submitter. Criteria: ACMG Guidelines, 2015. Collection method: clinical testing. Allele origin: germline.
Comment: The SLC27A4 c.99C>G variant is predicted to result in premature protein termination (p.Tyr33*). To our knowledge, this variant has not been reported in the literature or in a large population database (gnomAD), indicating this variant is rare. Nonsense variants in SLC27A4 are expected to be pathogenic. This variant is interpreted as likely pathogenic.

NM_005094.4(SLC27A4):c.99C>G (p.Tyr33Ter)

Gene: SLC27A4 (solute carrier family 27 member 4; plus strand). Cytogenetic location: 9q34.11.
Variant type: single nucleotide variant.
Coding change: c.99C>G on transcript NM_005094.4 (MANE Select); coding-DNA position 99, C replaced by G.
Protein change: p.Tyr33Ter; replaces tyrosine 33 with a stop codon.
Molecular consequence: nonsense.
Genome position (GRCh38, 1-based): chr9:128,343,231, C>G. VCF-style: chr9-128343231-C-G. GRCh37 (hg19) VCF-style: chr9-131105510-C-G.
Other names: short protein forms Y33*.
Identifiers: ClinVar variation 4990907 (VCV004990907.1).